The following is an entry in ClinVar:

NM_001267550.2(TTN):c.106137dup (p.Lys35380Ter)

Genes: TTN-AS1 (TTN antisense RNA 1; plus strand), TTN (titin; minus strand), LOC129935182 (ATAC-STARR-seq lymphoblastoid active region 16807; plus strand). Cytogenetic location: 2q31.2.
Variant type: Duplication.
Coding change: c.106137dup on transcript NM_001267550.2 (MANE Select); coding-DNA position 106137, one base duplicated (T; older notation c.106137dupT).
Protein change: p.Lys35380Ter; replaces lysine 35380 with a stop codon.
Molecular consequence: nonsense.
Genome position (GRCh38, 1-based): chr2:178,530,478, A duplicated on the plus strand (T on the coding strand, the reverse complement: TTN is on the minus strand); the first of 3 consecutive A bases (chr2:178,530,478-178,530,480); duplicating any one gives the same sequence. VCF-style (leftmost placement, unchanged base first): chr2-178530477-T-TA. GRCh37 (hg19) VCF-style: chr2-179395204-T-TA.
Other names: c.101214dup, p.Lys33739Ter (NM_001256850.1); c.78942dup, p.Lys26315Ter (NM_003319.4); c.98433dup, p.Lys32812Ter (NM_133378.4); c.79317dup, p.Lys26440Ter (NM_133432.3); c.79518dup, p.Lys26507Ter (NM_133437.4); short protein forms K26507*, K32812*, K35380*, K26440*, K26315*, K33739*.
Identifiers: ClinVar variation 290468 (VCV000290468.13), dbSNP rs886044460, ClinGen allele CA10606783.
Genomic context (GRCh38, chr2:178,530,477, plus strand): 5'-TGGTTTTCTGATCTGATTTCTTAGTTTCTGATATTTTTGATACCTTCTCATGGATACTCT[T>TA]AAAGGCTTGCCCCATAAATTGTAAGTTGGTTTTAGACGTTCCACCTTCACCAGAAATCTC-3'

ClinVar aggregate classification (germline): Pathogenic/Likely pathogenic. Review status: criteria provided, multiple submitters, no conflicts (2 of 4 stars). 2 submissions from 2 submitters: Pathogenic (1); Likely pathogenic (1). Last evaluated 2023-12-06.

Conditions:
Autosomal recessive limb-girdle muscular dystrophy type 2J (LGMDR10). Also called: Limb-girdle muscular dystrophy, type 2J; MUSCULAR DYSTROPHY, LIMB-GIRDLE, AUTOSOMAL RECESSIVE 10. Identifiers: Orphanet 140922, MedGen C1837342, MONDO:0012127, OMIM 608807.
Dilated cardiomyopathy 1G (CMD1G). Identifiers: Orphanet 154, MedGen C1858763, MONDO:0011400, OMIM 604145.

Submissions (2):

Labcorp Genetics (formerly Invitae), Labcorp
Classification: Pathogenic for Dilated cardiomyopathy 1G; Autosomal recessive limb-girdle muscular dystrophy type 2J. Last evaluated: 2023-12-06. Review status: criteria provided, single submitter. Criteria: Invitae Variant Classification Sherloc (09022015). Collection method: clinical testing. Allele origin: germline.
Comment: This sequence change creates a premature translational stop signal (p.Lys35380*) in the TTN gene. While this is not anticipated to result in nonsense mediated decay, it is expected to create a truncated TTN protein. This variant is not present in population databases (gnomAD no frequency). This premature translational stop signal has been observed in individual(s) with centronuclear myopathy (Invitae). In at least one individual the data is consistent with being in trans (on the opposite chromosome) from a pathogenic variant. ClinVar contains an entry for this variant (Variation ID: 290468). This variant is located in the M band of TTN (PMID: 25589632). Truncating variants in this region have been previously reported in individuals affected with autosomal recessive myopathy and muscular dystrophy (PMID: 18948003, 23975875, 24395473). Truncating variants in this region have also been identified in individuals affected with autosomal dominant dilated cardiomyopathy and/or cardio-related conditions (PMID: 27869827, 32964742). For these reasons, this variant has been classified as Pathogenic.

Eurofins Ntd Llc (ga)
Classification: Likely pathogenic. Last evaluated: 2016-09-25. Review status: criteria provided, single submitter. Criteria: EGL Classification Definitions. Collection method: clinical testing. Allele origin: germline. Observed: 1 variant allele, 1 heterozygote.

Literature cited by the submitters: PubMed 25589632 (cited by Labcorp Genetics (formerly Invitae), Labcorp); PubMed 18948003 (cited by Labcorp Genetics (formerly Invitae), Labcorp); PubMed 23975875 (cited by Labcorp Genetics (formerly Invitae), Labcorp); PubMed 24395473 (cited by Labcorp Genetics (formerly Invitae), Labcorp); PubMed 27869827 (cited by Labcorp Genetics (formerly Invitae), Labcorp); PubMed 32964742 (cited by Labcorp Genetics (formerly Invitae), Labcorp).